The following is an entry in ClinVar:

NM_002055.5(GFAP):c.527C>T (p.Ala176Val)

Gene: GFAP (glial fibrillary acidic protein; minus strand). Cytogenetic location: 17q21.31.
Variant type: single nucleotide variant.
Coding change: c.527C>T on transcript NM_002055.5 (MANE Select); coding-DNA position 527, C replaced by T.
Protein change: p.Ala176Val; replaces alanine 176 with valine.
Molecular consequence: missense variant.
Genome position (GRCh38, 1-based): chr17:44,913,819, G>A on the plus strand (C>T on the coding strand, the complement: GFAP is on the minus strand). VCF-style: chr17-44913819-G-A. GRCh37 (hg19) VCF-style: chr17-42991187-G-A.
Other names: c.527C>T, p.Ala176Val (NM_001131019.3, NM_001242376.3, NM_001363846.2); short protein forms A176V.
Identifiers: ClinVar variation 1359236 (VCV001359236.8), dbSNP rs761291672, ClinGen allele CA8608971.
Genomic context (GRCh38, chr17:44,913,819, plus strand): 5'-TCCTCCTCCAGCGACTCAATCTTCCTCTCCAGATCCAGACGGGCCAGGGTGGCTTCATCT[G>A]CTTCCTGGAGTGGCAGGAGGGGTGAGGAGTAGAGGGCCACTGGGGCCCCAGGCTCCTTCT-3'
Protein context (NP_002046.1, residues 166-186): ENNLAAYRQE[Ala176Val]DEATLARLDL

ClinVar aggregate classification (germline): Uncertain significance (1 of 4 stars; one submission).

Allele frequency attached by ClinVar (database versions not stated): gnomAD 0.00001; gnomAD exomes 0.00001 and 0.00003; ExAC 0.00002.
gnomAD v4.1: 21 of 1,613,208 alleles (0.0013%); highest among the groups gnomAD compares: South Asian, 0.022%; 1 homozygote.

Submission:

Labcorp Genetics (formerly Invitae), Labcorp
Classification: Uncertain significance. Last evaluated: 2021-06-05. Review status: criteria provided, single submitter. Criteria: Invitae Variant Classification Sherloc (09022015). Collection method: clinical testing. Allele origin: germline.
Comment: In summary, the available evidence is currently insufficient to determine the role of this variant in disease. Therefore, it has been classified as a Variant of Uncertain Significance. Algorithms developed to predict the effect of missense changes on protein structure and function (SIFT, PolyPhen-2, Align-GVGD) all suggest that this variant is likely to be tolerated, but these predictions have not been confirmed by published functional studies and their clinical significance is uncertain. This variant is present in population databases (rs761291672, ExAC 0.02%). This sequence change replaces alanine with valine at codon 176 of the GFAP protein (p.Ala176Val). The alanine residue is highly conserved and there is a small physicochemical difference between alanine and valine. This variant has not been reported in the literature in individuals with GFAP-related conditions.